The following is an entry in ClinVar:

NM_000170.3(GLDC):c.1114A>G (p.Ile372Val)

Gene: GLDC (glycine decarboxylase; minus strand). Cytogenetic location: 9p24.1.
Variant type: single nucleotide variant.
Coding change: c.1114A>G on transcript NM_000170.3 (MANE Select); coding-DNA position 1114, A replaced by G.
Protein change: p.Ile372Val; replaces isoleucine 372 with valine.
Molecular consequence: missense variant.
Genome position (GRCh38, 1-based): chr9:6,602,150, T>C on the plus strand (A>G on the coding strand, the complement: GLDC is on the minus strand). VCF-style: chr9-6602150-T-C. GRCh37 (hg19) VCF-style: chr9-6602150-T-C.
Other names: c.1114A>G (NM_000170.2); short protein forms I372V.
Identifiers: ClinVar variation 1429801 (VCV001429801.9), dbSNP rs755156031, ClinGen allele CA4980860.
Genomic context (GRCh38, chr9:6,602,150, plus strand): 5'-GGTCAGACGTGTGATTTACCTGAGCTGTACAGATGTTGCTGGTAGCCTTGTCTCTCCGAA[T>C]GTGTTGCTCCCTGGTTTGAAGAGCAAGACGATACACTTCTTTCCCAGTGGCATCTCTACA-3'
Protein context (NP_000161.2, residues 362-382): RLALQTREQH[Ile372Val]RRDKATSNIC

ClinVar aggregate classification (germline): Uncertain significance. Review status: criteria provided, multiple submitters, no conflicts (2 of 4 stars). 4 submissions from 4 submitters: Uncertain significance (4). Last evaluated 2025-05-14.

Conditions:
Glycine encephalopathy. Also called: Non-ketotic hyperglycinemia; Nonketotic hyperglycinemia. Identifiers: Orphanet 407, MedGen C0751748, MONDO:0011612, HP:0008288.
Inborn genetic diseases. Identifiers: MedGen C0950123, MeSH D030342.

Allele frequency attached by ClinVar (database versions not stated): gnomAD 0.00001; gnomAD exomes 0.00001 and 0.00002; ExAC 0.00002.
gnomAD v4.1: 18 of 1,613,572 alleles (0.0011%); highest among the groups gnomAD compares: Non-Finnish European, 0.0014%; no homozygotes.

Submissions (4):

Labcorp Genetics (formerly Invitae), Labcorp
Classification: Uncertain significance for Glycine encephalopathy. Last evaluated: 2025-05-14. Review status: criteria provided, single submitter. Criteria: Invitae Variant Classification Sherloc (09022015). Collection method: clinical testing. Allele origin: germline.
Comment: This sequence change replaces isoleucine, which is neutral and non-polar, with valine, which is neutral and non-polar, at codon 372 of the GLDC protein (p.Ile372Val). This variant is present in population databases (rs755156031, gnomAD 0.004%). This variant has not been reported in the literature in individuals affected with GLDC-related conditions. ClinVar contains an entry for this variant (Variation ID: 1429801). Invitae Evidence Modeling of protein sequence and biophysical properties (such as structural, functional, and spatial information, amino acid conservation, physicochemical variation, residue mobility, and thermodynamic stability) indicates that this missense variant is expected to disrupt GLDC protein function with a positive predictive value of 95%. In summary, the available evidence is currently insufficient to determine the role of this variant in disease. Therefore, it has been classified as a Variant of Uncertain Significance.

Dasa
Classification: Uncertain significance. Last evaluated: 2024-12-17. Review status: criteria provided, single submitter. Criteria: DASA Assertion Criteria. Collection method: clinical testing. Allele origin: germline.
Comment: NM_000170.3(GLDC):c.1114A>G (p.Ile372Val) is a missense variant that results in the substitution of isoleucine with valine. This variant is rare in population databases. Computational prediction algorithms are consistent with a deleterious effect. The currently available literature and clinical evidence are not sufficient to establish a definitive association between this variant and the reported condition. Therefore, this variant is classified as a variant of uncertain significance.

Ambry Genetics
Classification: Uncertain significance for Inborn genetic diseases. Last evaluated: 2024-06-25. Review status: criteria provided, single submitter. Criteria: Ambry Variant Classification Scheme 2023. Collection method: clinical testing. Allele origin: germline.

Blueprint Genetics
Classification: Uncertain significance. Last evaluated: 2020-11-10. Review status: criteria provided, single submitter. Criteria: ACMG Guidelines, 2015. Collection method: clinical testing. Allele origin: germline.